The following is an entry in ClinVar:

NM_033100.4(CDHR1):c.1150G>A (p.Val384Ile)

Gene: CDHR1 (cadherin related family member 1; plus strand). Cytogenetic location: 10q23.1.
Variant type: single nucleotide variant.
Coding change: c.1150G>A on transcript NM_033100.4 (MANE Select); coding-DNA position 1150, G replaced by A.
Protein change: p.Val384Ile; replaces valine 384 with isoleucine.
Molecular consequence: missense variant.
Genome position (GRCh38, 1-based): chr10:84,208,360, G>A. VCF-style: chr10-84208360-G-A. GRCh37 (hg19) VCF-style: chr10-85968116-G-A.
Other names: c.1150G>A, p.Val384Ile (NM_001171971.3); short protein forms V384I.
Identifiers: ClinVar variation 1036623 (VCV001036623.4), dbSNP rs150475580, ClinGen allele CA5579852.

ClinVar aggregate classification (germline): Uncertain significance (1 of 4 stars; one submission).

Allele frequency attached by ClinVar (database versions not stated): gnomAD 0.00001; ExAC 0.00002; TOPMed 0.00003; ESP Exome Variant Server 0.00008.
gnomAD v4.1: 35 of 1,614,016 alleles (0.0022%); highest among the groups gnomAD compares: South Asian, 0.0077%; no homozygotes.

Submission:

Labcorp Genetics (formerly Invitae), Labcorp
Classification: Uncertain significance. Last evaluated: 2022-10-03. Review status: criteria provided, single submitter. Criteria: Invitae Variant Classification Sherloc (09022015). Collection method: clinical testing. Allele origin: germline.
Comment: This sequence change replaces valine, which is neutral and non-polar, with isoleucine, which is neutral and non-polar, at codon 384 of the CDHR1 protein (p.Val384Ile). This variant is present in population databases (rs150475580, gnomAD 0.009%). This variant has not been reported in the literature in individuals affected with CDHR1-related conditions. ClinVar contains an entry for this variant (Variation ID: 1036623). Advanced modeling of protein sequence and biophysical properties (such as structural, functional, and spatial information, amino acid conservation, physicochemical variation, residue mobility, and thermodynamic stability) performed at Invitae indicates that this missense variant is not expected to disrupt CDHR1 protein function. In summary, the available evidence is currently insufficient to determine the role of this variant in disease. Therefore, it has been classified as a Variant of Uncertain Significance.